The following is an entry in ClinVar:

ClinVar aggregate classification (germline): Uncertain significance (1 of 4 stars; one submission).

Conditions:
Metachromatic leukodystrophy (MLD). Also called: ARSA DEFICIENCY; CEREBROSIDE SULFATASE DEFICIENCY; METACHROMATIC LEUKOENCEPHALOPATHY; SULFATIDE LIPIDOSIS; Cerebral sclerosis diffuse metachromatic form; Arylsulfatase A Deficiency. Identifiers: Orphanet 512, MedGen C0023522, MONDO:0018868, OMIM 250100.

Submission:

Labcorp Genetics (formerly Invitae), Labcorp
Classification: Uncertain significance for Metachromatic leukodystrophy. Last evaluated: 2024-07-30. Review status: criteria provided, single submitter. Criteria: Invitae Variant Classification Sherloc (09022015). Collection method: clinical testing. Allele origin: germline.
Comment: This sequence change replaces cysteine, which is neutral and slightly polar, with glycine, which is neutral and non-polar, at codon 71 of the ARSA protein (p.Cys71Gly). This variant is not present in population databases (gnomAD no frequency). This variant has not been reported in the literature in individuals affected with ARSA-related conditions. Advanced modeling of protein sequence and biophysical properties (such as structural, functional, and spatial information, amino acid conservation, physicochemical variation, residue mobility, and thermodynamic stability) performed at Invitae indicates that this missense variant is expected to disrupt ARSA protein function with a positive predictive value of 95%. In summary, the available evidence is currently insufficient to determine the role of this variant in disease. Therefore, it has been classified as a Variant of Uncertain Significance.

NM_000487.6(ARSA):c.211T>G (p.Cys71Gly)

Gene: ARSA (arylsulfatase A; minus strand). Cytogenetic location: 22q13.33.
Variant type: single nucleotide variant.
Coding change: c.211T>G on transcript NM_000487.6 (MANE Select); coding-DNA position 211, T replaced by G.
Protein change: p.Cys71Gly; replaces cysteine 71 with glycine.
Molecular consequence: missense variant. On other transcripts: intron variant (2).
Genome position (GRCh38, 1-based): chr22:50,627,569, A>C on the plus strand (T>G on the coding strand, the complement: ARSA is on the minus strand). VCF-style: chr22-50627569-A-C. GRCh37 (hg19) VCF-style: chr22-51065997-A-C.
Other names: c.211T>G, p.Cys71Gly (NM_001085425.3, NM_001085426.3, NM_001085427.3); c.-34-163T>G (NM_001362782.2, NM_001085428.3); short protein forms C71G.
Identifiers: ClinVar variation 3666326 (VCV003666326.2).